The following is an entry in ClinVar:

NM_001164508.2(NEB):c.5258G>A (p.Trp1753Ter)

Gene: NEB (nebulin; minus strand). Cytogenetic location: 2q23.3.
Variant type: single nucleotide variant.
Coding change: c.5258G>A on transcript NM_001164508.2 (MANE Select); coding-DNA position 5258, G replaced by A.
Protein change: p.Trp1753Ter; replaces tryptophan 1753 with a stop codon.
Molecular consequence: nonsense.
Genome position (GRCh38, 1-based): chr2:151,664,844, C>T on the plus strand (G>A on the coding strand, the complement: NEB is on the minus strand). VCF-style: chr2-151664844-C-T. GRCh37 (hg19) VCF-style: chr2-152521358-C-T.
Other names: c.5258G>A, p.Trp1753Ter (NM_001164507.2, NM_001271208.2, NM_004543.5); short protein forms W1753*.
Identifiers: ClinVar variation 1365940 (VCV001365940.6), dbSNP rs776635100, ClinGen allele CA1910408.

ClinVar aggregate classification (germline): Pathogenic (1 of 4 stars; one submission).

Conditions:
Nemaline myopathy 2 (NEM2). Also called: Nemaline myopathy 2, autosomal recessive. Identifiers: MedGen C1850569, MONDO:0009725, OMIM 256030.

Allele frequency attached by ClinVar (database versions not stated): gnomAD exomes below 0.00001 and 0.00001; ExAC 0.00001.
gnomAD v4.1: 4 of 1,611,990 alleles (0.00025%); highest among the groups gnomAD compares: Non-Finnish European, 0.00034%; no homozygotes.

Submission:

Labcorp Genetics (formerly Invitae), Labcorp
Classification: Pathogenic for Nemaline myopathy 2. Last evaluated: 2021-02-25. Review status: criteria provided, single submitter. Criteria: Invitae Variant Classification Sherloc (09022015). Collection method: clinical testing. Allele origin: germline.
Comment: This sequence change creates a premature translational stop signal (p.Trp1753*) in the NEB gene. It is expected to result in an absent or disrupted protein product. Loss-of-function variants in NEB are known to be pathogenic (PMID: 25205138). This variant is present in population databases (rs776635100, ExAC 0.002%). This variant has not been reported in the literature in individuals with NEB-related conditions. For these reasons, this variant has been classified as Pathogenic.

Literature cited by the submitters: PubMed 25205138.